The following is an entry in ClinVar:

ClinVar aggregate classification (germline): Uncertain significance (1 of 4 stars; one submission).

Conditions:
Cardiovascular phenotype. Identifiers: MedGen CN230736.

Submission:

Ambry Genetics
Classification: Uncertain significance for Cardiovascular phenotype. Last evaluated: 2025-08-28. Review status: criteria provided, single submitter. Criteria: Ambry Variant Classification Scheme 2023. Collection method: clinical testing. Allele origin: germline.
Comment: The p.N301I variant (also known as c.902A>T), located in coding exon 2 of the NKX2-5 gene, results from an A to T substitution at nucleotide position 902. The asparagine at codon 301 is replaced by isoleucine, an amino acid with dissimilar properties. This amino acid position is conserved. In addition, the in silico prediction for this alteration is inconclusive. Based on the available evidence, the clinical significance of this variant remains unclear.

NM_004387.4(NKX2-5):c.902A>T (p.Asn301Ile)

Gene: NKX2-5 (NK2 homeobox 5; minus strand). Cytogenetic location: 5q35.1.
Variant type: single nucleotide variant.
Coding change: c.902A>T on transcript NM_004387.4 (MANE Select); coding-DNA position 902, A replaced by T.
Protein change: p.Asn301Ile; replaces asparagine 301 with isoleucine.
Molecular consequence: missense variant. On other transcripts: 3 prime UTR variant (2).
Genome position (GRCh38, 1-based): chr5:173,232,642, T>A on the plus strand (A>T on the coding strand, the complement: NKX2-5 is on the minus strand). VCF-style: chr5-173232642-T-A. GRCh37 (hg19) VCF-style: chr5-172659645-T-A.
Other names: c.*855A>T (NM_001166175.2); c.*701A>T (NM_001166176.2); short protein forms N301I.
Identifiers: ClinVar variation 4120362 (VCV004120362.1).